The following is an entry in ClinVar:

NM_000492.4(CFTR):c.553dup (p.Ser185fs)

Gene: CFTR (CF transmembrane conductance regulator; plus strand). Cytogenetic location: 7q31.2.
Variant type: Duplication.
Coding change: c.553dup on transcript NM_000492.4 (MANE Select); coding-DNA position 553, one base duplicated (T; older notation c.553dupT).
Protein change: p.Ser185fs; shifts the reading frame from serine 185.
Molecular consequence: frameshift variant.
Genome position (GRCh38, 1-based): chr7:117,534,339, T duplicated; the last of 3 consecutive T bases (chr7:117,534,337-117,534,339); duplicating any one gives the same sequence. VCF-style (leftmost placement, unchanged base first): chr7-117534336-C-CT. GRCh37 (hg19) VCF-style: chr7-117174390-C-CT.
Other names: c.553dupT (NM_000492.4); short protein forms S185fs.
Identifiers: ClinVar variation 3374877 (VCV003374877.1).

ClinVar aggregate classification (germline): Pathogenic (1 of 4 stars; one submission).

Conditions:
Cystic fibrosis (CF). Also called: MUCOVISCIDOSIS. Identifiers: Orphanet 586, MedGen C0010674, MONDO:0009061, OMIM 219700. Disease mechanism: loss of function.

Submission:

Women's Health and Genetics/Laboratory Corporation of America, LabCorp
Classification: Pathogenic for Cystic fibrosis. Last evaluated: 2024-09-30. Review status: criteria provided, single submitter. Criteria: LabCorp Variant Classification Summary - May 2015. Collection method: clinical testing. Allele origin: germline.
Comment: Variant summary: CFTR c.553dupT (p.Ser185PhefsX8) results in a premature termination codon, predicted to cause a truncation of the encoded protein or absence of the protein due to nonsense mediated decay, which are commonly known mechanisms for disease. The variant was absent in 250676 control chromosomes. To our knowledge, no occurrence of c.553dupT in individuals affected with Cystic Fibrosis and no experimental evidence demonstrating its impact on protein function have been reported. No submitters have cited clinical-significance assessments for this variant to ClinVar. Based on the evidence outlined above, the variant was classified as pathogenic.